The following is an entry in ClinVar:

ClinVar aggregate classification (germline): Uncertain significance (1 of 4 stars; one submission).

Allele frequency attached by ClinVar (database versions not stated): gnomAD exomes below 0.00001.
gnomAD v4.1: 1 of 1,613,874 alleles (0.000062%); highest among the groups gnomAD compares: Non-Finnish European, 0.000085%; no homozygotes.

Submission:

Labcorp Genetics (formerly Invitae), Labcorp
Classification: Uncertain significance. Last evaluated: 2023-08-10. Review status: criteria provided, single submitter. Criteria: Invitae Variant Classification Sherloc (09022015). Collection method: clinical testing. Allele origin: germline.
Comment: Advanced modeling of protein sequence and biophysical properties (such as structural, functional, and spatial information, amino acid conservation, physicochemical variation, residue mobility, and thermodynamic stability) performed at Invitae indicates that this missense variant is not expected to disrupt PDE6A protein function. ClinVar contains an entry for this variant (Variation ID: 1391296). This variant has not been reported in the literature in individuals affected with PDE6A-related conditions. This variant is present in population databases (no rsID available, gnomAD 0.0009%). This sequence change replaces cysteine, which is neutral and slightly polar, with phenylalanine, which is neutral and non-polar, at codon 163 of the PDE6A protein (p.Cys163Phe). In summary, the available evidence is currently insufficient to determine the role of this variant in disease. Therefore, it has been classified as a Variant of Uncertain Significance.

NM_000440.3(PDE6A):c.488G>T (p.Cys163Phe)

Gene: PDE6A (phosphodiesterase 6A; minus strand). Cytogenetic location: 5q32.
Variant type: single nucleotide variant.
Coding change: c.488G>T on transcript NM_000440.3 (MANE Select); coding-DNA position 488, G replaced by T.
Protein change: p.Cys163Phe; replaces cysteine 163 with phenylalanine.
Molecular consequence: missense variant.
Genome position (GRCh38, 1-based): chr5:149,934,705, C>A on the plus strand (G>T on the coding strand, the complement: PDE6A is on the minus strand). VCF-style: chr5-149934705-C-A. GRCh37 (hg19) VCF-style: chr5-149314268-C-A.
Other names: short protein forms C163F.
Identifiers: ClinVar variation 1391296 (VCV001391296.8), dbSNP rs1248213325, ClinGen allele CA361698633.